The following is an entry in ClinVar:

NM_013275.6(ANKRD11):c.3001G>T (p.Glu1001Ter)

Gene: ANKRD11 (ankyrin repeat domain 11; minus strand). Cytogenetic location: 16q24.3.
Variant type: single nucleotide variant.
Coding change: c.3001G>T on transcript NM_013275.6 (MANE Select); coding-DNA position 3001, G replaced by T.
Protein change: p.Glu1001Ter; replaces glutamic acid 1001 with a stop codon.
Molecular consequence: nonsense.
Genome position (GRCh38, 1-based): chr16:89,283,541, C>A on the plus strand (G>T on the coding strand, the complement: ANKRD11 is on the minus strand). VCF-style: chr16-89283541-C-A. GRCh37 (hg19) VCF-style: chr16-89349949-C-A.
Other names: c.3001G>T, p.Glu1001Ter (NM_001256182.2, NM_001256183.2); short protein forms E1001*.
Identifiers: ClinVar variation 4997232 (VCV004997232.1).

ClinVar aggregate classification (germline): Likely pathogenic (1 of 4 stars; one submission).

Conditions:
ANKRD11-related disorder. Also called: ANKRD11-related condition.

Submission:

PreventionGenetics, part of Exact Sciences
Classification: Likely pathogenic for ANKRD11-related condition. Last evaluated: 2025-06-17. Review status: criteria provided, single submitter. Criteria: ACMG Guidelines, 2015. Collection method: clinical testing. Allele origin: germline.
Comment: The ANKRD11 c.3001G>T variant is predicted to result in premature protein termination (p.Glu1001*). To our knowledge, this variant has not been reported in the literature or in a large population database (gnomAD), indicating this variant is rare. Nonsense variants in ANKRD11 are expected to be pathogenic. This variant is interpreted as likely pathogenic.